The following is an entry in ClinVar:

GRCh37/hg19 22q13.33(chr22:51073380-51197838)x1

Genes: ACR (acrosin; plus strand), SHANK3 (SH3 and multiple ankyrin repeat domains 3; plus strand). Cytogenetic location: 22q13.33.
Variant type: copy number loss.
Change: copy number 1 (one copy instead of two) of chr22:51,073,380-51,197,838 (124.5 kb, GRCh37 coordinates, 1-based), cytogenetic band 22q13.33.
Identifiers: ClinVar variation 2685684 (VCV002685684.1).

ClinVar aggregate classification (germline): Pathogenic (1 of 4 stars; one submission).

Submission:

Quest Diagnostics Nichols Institute San Juan Capistrano
Classification: Pathogenic. Last evaluated: 2023-03-28. Review status: criteria provided, single submitter. Criteria: ACMG/ClinGen CNV Guidelines, 2019. Collection method: clinical testing. Allele origin: unknown.
Comment: The copy number loss of 22q13.2q13.33 involves genes SHANK3 (OMIM 606230) and ACR (OMIM 102480). Haploinsufficiency of SHANK3 is associated with autosomal dominant Phelan-McDermid syndrome (PMS; 22q13.3 deletion syndrome) (OMIM 606232, Rehm 2015 (HGNC:14294), Nevado 2022, Phelan 2018, Phelan 2008, Sarasua 2014, Zwanenburg 2016). As hemizygous deletions of this locus have been established in association with a clinical phenotype, this copy number variant (CNV) is classified as pathogenic. References: Nevado et al., Front Genet. 2022 Apr 12;13:652454. PMID: 35495150 Phelan, Orphanet J Rare Dis. 2008 May 27;3:14. PMID: 18505557 Phelan et al., GeneReviews [2018 Jun 07]. PMID: 20301377 Rehm et al., N Engl J Med. 2015 Jun 4;372(23):2235-42. PMID: 26014595 (HGNC:14294) Sarasua et al., Hum Genet. 2014 Jul;133(7):847-59. PMID: 24481935 Zwanenburg et al., J Neurodev Disord. 2016 Apr 26;8:16. PMID: 27118998